The following is an entry in ClinVar:

NM_000414.4(HSD17B4):c.666C>T (p.Val222=)

Gene: HSD17B4 (hydroxysteroid 17-beta dehydrogenase 4; plus strand). Cytogenetic location: 5q23.1.
Variant type: single nucleotide variant.
Coding change: c.666C>T on transcript NM_000414.4 (MANE Select); coding-DNA position 666, C replaced by T.
Protein change: p.Val222=; no amino-acid change (valine 222 retained).
Molecular consequence: synonymous variant. On other transcripts: non-coding transcript variant (2).
Genome position (GRCh38, 1-based): chr5:119,489,235, C>T. VCF-style: chr5-119489235-C-T. GRCh37 (hg19) VCF-style: chr5-118824930-C-T.
Other names: c.741C>T, p.Val247= (NM_001199291.3); c.612C>T, p.Val204= (NM_001199292.2); c.594C>T, p.Val198= (NM_001292027.2); c.246C>T, p.Val82= (NM_001292028.2); c.657C>T, p.Val219= (NM_001374497.1); c.666C>T, p.Val222= (NM_001374498.1); c.339C>T, p.Val113= (NM_001374499.1); c.225C>T, p.Val75= (NM_001374500.1); and 1 more.
Identifiers: ClinVar variation 764144 (VCV000764144.20), dbSNP rs150677536, ClinGen allele CA3381926.

ClinVar aggregate classification (germline): Likely benign. Review status: criteria provided, multiple submitters, no conflicts (2 of 4 stars). 5 submissions from 5 submitters: Likely benign (3). 2 of the submissions do not count toward it. Last evaluated 2026-01-15.

Conditions:
Bifunctional peroxisomal enzyme deficiency (DBIF). Also called: DBP DEFICIENCY; D-bifunctional protein deficiency; PBFE DEFICIENCY. Identifiers: Orphanet 300, MedGen C0342870, MONDO:0009855, OMIM 261515. Disease mechanism: loss of function.
HSD17B4-related disorder. Also called: HSD17B4-related disorders; HSD17B4-related condition.
Perrault syndrome. Also called: Gonadal dysgenesis with auditory dysfunction, autosomal recessive inheritance. Identifiers: Orphanet 2855, MedGen C0685838, MONDO:0017312.

Allele frequency attached by ClinVar (database versions not stated): TOPMed 0.00002; 1000 Genomes Project 30x 0.00016.
gnomAD v4.1: 42 of 1,612,692 alleles (0.0026%); highest among the groups gnomAD compares: Admixed American, 0.03%; no homozygotes.

Submissions (5):

Labcorp Genetics (formerly Invitae), Labcorp
Classification: Likely benign for Perrault syndrome; Bifunctional peroxisomal enzyme deficiency. Last evaluated: 2026-01-15. Review status: criteria provided, single submitter. Criteria: Invitae Variant Classification Sherloc (09022015). Collection method: clinical testing. Allele origin: germline.

CeGaT Center for Human Genetics Tuebingen
Classification: Likely benign. Last evaluated: 2025-11-01. Review status: criteria provided, single submitter. Criteria: CeGaT Center For Human Genetics Tuebingen Variant Classification Criteria Version 2. Collection method: clinical testing. Allele origin: germline. Affected: yes. Observed: 1 variant allele.
Comment: HSD17B4: BP4, BP7

ARUP Laboratories, Molecular Genetics and Genomics, ARUP Laboratories
Classification: Likely benign. Last evaluated: 2022-03-18. Review status: criteria provided, single submitter. Criteria: ARUP Molecular Germline Variant Investigation Process 2021. Collection method: clinical testing. Allele origin: germline.

PreventionGenetics, part of Exact Sciences
Classification: Likely benign for HSD17B4-related condition. Last evaluated: 2024-06-22. Review status: no assertion criteria provided. Collection method: clinical testing. Allele origin: germline. Not counted in ClinVar's aggregate classification.
Comment: This variant is classified as likely benign based on ACMG/AMP sequence variant interpretation guidelines (Richards et al. 2015 PMID: 25741868, with internal and published modifications).

Natera, Inc.
Classification: Uncertain significance for Bifunctional peroxisomal enzyme deficiency. Last evaluated: 2020-01-24. Review status: no assertion criteria provided. Collection method: clinical testing. Allele origin: germline. Not counted in ClinVar's aggregate classification.